The following is an entry in ClinVar:

ClinVar aggregate classification (germline): Pathogenic (1 of 4 stars; one submission).

Conditions:
Phenylketonuria (PKU). Also called: FOLLING DISEASE; Phenylketonurias; Phenylketonuria (PKU); OLIGOPHRENIA PHENYLPYRUVICA. Identifiers: Orphanet 716, MedGen C0031485, MONDO:0009861, OMIM 261600. Disease mechanism: loss of function.

Submission:

Labcorp Genetics (formerly Invitae), Labcorp
Classification: Pathogenic for Phenylketonuria. Last evaluated: 2022-03-17. Review status: criteria provided, single submitter. Criteria: Invitae Variant Classification Sherloc (09022015). Collection method: clinical testing. Allele origin: germline.
Comment: For these reasons, this variant has been classified as Pathogenic. This variant disrupts the p.Thr186 amino acid residue in PAH. Other variant(s) that disrupt this residue have been determined to be pathogenic (PMID: 30459323). This suggests that this residue is clinically significant, and that variants that disrupt this residue are likely to be disease-causing. Advanced modeling of protein sequence and biophysical properties (such as structural, functional, and spatial information, amino acid conservation, physicochemical variation, residue mobility, and thermodynamic stability) performed at Invitae indicates that this missense variant is expected to disrupt PAH protein function. This missense change has been observed in individual(s) with phenylketonuria (Invitae). This variant is not present in population databases (gnomAD no frequency). This sequence change replaces threonine, which is neutral and polar, with alanine, which is neutral and non-polar, at codon 186 of the PAH protein (p.Thr186Ala).

Literature cited by the submitters: PubMed 30459323.

NM_000277.3(PAH):c.556A>G (p.Thr186Ala)

Gene: PAH (phenylalanine hydroxylase; minus strand). Cytogenetic location: 12q23.2.
Variant type: single nucleotide variant.
Coding change: c.556A>G on transcript NM_000277.3 (MANE Select); coding-DNA position 556, A replaced by G.
Protein change: p.Thr186Ala; replaces threonine 186 with alanine.
Molecular consequence: missense variant.
Genome position (GRCh38, 1-based): chr12:102,855,286, T>C on the plus strand (A>G on the coding strand, the complement: PAH is on the minus strand). VCF-style: chr12-102855286-T-C. GRCh37 (hg19) VCF-style: chr12-103249064-T-C.
Other names: c.556A>G, p.Thr186Ala (NM_001354304.2); short protein forms T186A.
Identifiers: ClinVar variation 2113230 (VCV002113230.4), dbSNP rs2499626313, ClinGen allele CA386296870.